The following is an entry in ClinVar:

NM_020937.4(FANCM):c.4148A>G (p.Tyr1383Cys)

Gene: FANCM (FA complementation group M; plus strand). Cytogenetic location: 14q21.2.
Variant type: single nucleotide variant.
Coding change: c.4148A>G on transcript NM_020937.4 (MANE Select); coding-DNA position 4148, A replaced by G.
Protein change: p.Tyr1383Cys; replaces tyrosine 1383 with cysteine.
Molecular consequence: missense variant.
Genome position (GRCh38, 1-based): chr14:45,176,902, A>G. VCF-style: chr14-45176902-A-G. GRCh37 (hg19) VCF-style: chr14-45646105-A-G.
Other names: c.4070A>G, p.Tyr1357Cys (NM_001308133.2); short protein forms Y1357C, Y1383C.
Identifiers: ClinVar variation 2799282 (VCV002799282.3), dbSNP rs2503197633, ClinGen allele CA389604510.

ClinVar aggregate classification (germline): Uncertain significance (1 of 4 stars; one submission).

Conditions:
Fanconi anemia (FA). Also called: Fanconi's anemia. Identifiers: Orphanet 84, MedGen C0015625, MeSH D005199, MONDO:0019391.

Submission:

Labcorp Genetics (formerly Invitae), Labcorp
Classification: Uncertain significance for Fanconi anemia. Last evaluated: 2025-12-06. Review status: criteria provided, single submitter. Criteria: Invitae Variant Classification Sherloc (09022015). Collection method: clinical testing. Allele origin: germline.
Comment: This sequence change replaces tyrosine, which is neutral and polar, with cysteine, which is neutral and slightly polar, at codon 1383 of the FANCM protein (p.Tyr1383Cys). This variant is not present in population databases (gnomAD no frequency). This variant has not been reported in the literature in individuals affected with FANCM-related conditions. ClinVar contains an entry for this variant (Variation ID: 2799282). An algorithm developed to predict the effect of missense changes on protein structure and function (PolyPhen-2) suggests that this variant is likely to be tolerated. In summary, the available evidence is currently insufficient to determine the role of this variant in disease. Therefore, it has been classified as a Variant of Uncertain Significance.